The following is an entry in ClinVar:

ClinVar aggregate classification (germline): Uncertain significance. Review status: criteria provided, multiple submitters, no conflicts (2 of 4 stars). 2 submissions from 2 submitters: Uncertain significance (2). Last evaluated 2024-11-10.

Allele frequency attached by ClinVar (database versions not stated): gnomAD exomes 0.00016; ExAC 0.00007; TOPMed 0.00012; ESP Exome Variant Server 0.00019; gnomAD 0.00011.
gnomAD v4.1: 178 of 1,204,520 alleles (0.015%); highest among the groups gnomAD compares: Non-Finnish European, 0.02%; 1 homozygote.

Submissions (2):

Ambry Genetics
Classification: Uncertain significance. Last evaluated: 2024-11-10. Review status: criteria provided, single submitter. Criteria: Ambry Variant Classification Scheme 2023. Collection method: clinical testing. Allele origin: germline.

Labcorp Genetics (formerly Invitae), Labcorp
Classification: Uncertain significance. Last evaluated: 2022-08-30. Review status: criteria provided, single submitter. Criteria: Invitae Variant Classification Sherloc (09022015). Collection method: clinical testing. Allele origin: germline.
Comment: In summary, the available evidence is currently insufficient to determine the role of this variant in disease. Therefore, it has been classified as a Variant of Uncertain Significance. Algorithms developed to predict the effect of missense changes on protein structure and function are either unavailable or do not agree on the potential impact of this missense change (SIFT: "Tolerated"; PolyPhen-2: "Not Available"; Align-GVGD: "Class C0"). This variant has not been reported in the literature in individuals affected with SLC9A7-related conditions. The frequency data for this variant in the population databases is considered unreliable, as metrics indicate poor data quality at this position in the gnomAD database. This sequence change replaces valine, which is neutral and non-polar, with isoleucine, which is neutral and non-polar, at codon 221 of the SLC9A7 protein (p.Val221Ile).

NM_001257291.2(SLC9A7):c.661G>A (p.Val221Ile)

Gene: SLC9A7 (solute carrier family 9 member A7; minus strand). Cytogenetic location: Xp11.3.
Variant type: single nucleotide variant.
Coding change: c.661G>A on transcript NM_001257291.2 (MANE Select); coding-DNA position 661, G replaced by A.
Protein change: p.Val221Ile; replaces valine 221 with isoleucine.
Molecular consequence: missense variant.
Genome position (GRCh38, 1-based): chrX:46,672,570, C>T on the plus strand (G>A on the coding strand, the complement: SLC9A7 is on the minus strand). VCF-style: chrX-46672570-C-T. GRCh37 (hg19) VCF-style: chrX-46532005-C-T.
Other names: c.661G>A, p.Val221Ile (NM_032591.3); c.661G>A (NM_032591.1); short protein forms V221I.
Identifiers: ClinVar variation 2045004 (VCV002045004.6), dbSNP rs368575715, ClinGen allele CA10394052.
Genomic context (GRCh38, chrX:46,672,570, plus strand): 5'-GAACGTGTGTTAATTTGGTTATATGACAAAGGTTCACTTACCCAATAATGAAGCATGAAA[C>T]AGCAGTCCCCAAGAAGGCATAGGCCAGTATAGATCCAAGATTTCTGAAAAAGTGTCTCTG-3'
Protein context (NP_001244220.1, residues 211-231): ILAYAFLGTA[Val221Ile]SCFIIGNLMY